The following is an entry in ClinVar:

NM_004366.6(CLCN2):c.364A>C (p.Met122Leu)

Gene: CLCN2 (chloride voltage-gated channel 2; minus strand). Cytogenetic location: 3q27.1.
Variant type: single nucleotide variant.
Coding change: c.364A>C on transcript NM_004366.6 (MANE Select); coding-DNA position 364, A replaced by C.
Protein change: p.Met122Leu; replaces methionine 122 with leucine.
Molecular consequence: missense variant.
Genome position (GRCh38, 1-based): chr3:184,358,299, T>G on the plus strand (A>C on the coding strand, the complement: CLCN2 is on the minus strand). VCF-style: chr3-184358299-T-G. GRCh37 (hg19) VCF-style: chr3-184076087-T-G.
Other names: c.364A>C, p.Met122Leu (NM_001171087.3, NM_001171089.3); c.232A>C, p.Met78Leu (NM_001171088.3); short protein forms M122L, M78L.
Identifiers: ClinVar variation 2790292 (VCV002790292.3), dbSNP rs2474259745, ClinGen allele CA355457267.

ClinVar aggregate classification (germline): Uncertain significance (1 of 4 stars; one submission).

Submission:

Labcorp Genetics (formerly Invitae), Labcorp
Classification: Uncertain significance. Last evaluated: 2023-11-09. Review status: criteria provided, single submitter. Criteria: Invitae Variant Classification Sherloc (09022015). Collection method: clinical testing. Allele origin: germline.
Comment: This sequence change replaces methionine, which is neutral and non-polar, with leucine, which is neutral and non-polar, at codon 122 of the CLCN2 protein (p.Met122Leu). This variant is not present in population databases (gnomAD no frequency). This variant has not been reported in the literature in individuals affected with CLCN2-related conditions. Advanced modeling of protein sequence and biophysical properties (such as structural, functional, and spatial information, amino acid conservation, physicochemical variation, residue mobility, and thermodynamic stability) performed at Invitae indicates that this missense variant is not expected to disrupt CLCN2 protein function with a negative predictive value of 80%. In summary, the available evidence is currently insufficient to determine the role of this variant in disease. Therefore, it has been classified as a Variant of Uncertain Significance.